The following is an entry in ClinVar:

ClinVar aggregate classification (germline): Pathogenic/Likely pathogenic. Review status: criteria provided, multiple submitters, no conflicts (2 of 4 stars). 2 submissions from 2 submitters: Pathogenic (1); Likely pathogenic (1). Last evaluated 2023-12-29.

Conditions:
Werner syndrome (WRN). Identifiers: Orphanet 902, MedGen C0043119, MONDO:0010196, OMIM 277700.

Submissions (2):

Baylor Genetics
Classification: Likely pathogenic for Werner syndrome. Last evaluated: 2023-12-29. Review status: criteria provided, single submitter. Criteria: ACMG Guidelines, 2015. Collection method: clinical testing. Allele origin: unknown.

Labcorp Genetics (formerly Invitae), Labcorp
Classification: Pathogenic for Werner syndrome. Last evaluated: 2019-03-22. Review status: criteria provided, single submitter. Criteria: Invitae Variant Classification Sherloc (09022015). Collection method: clinical testing. Allele origin: germline.
Comment: For these reasons, this variant has been classified as Pathogenic. Loss-of-function variants in WRN are known to be pathogenic (PMID: 16673358). This variant has not been reported in the literature in individuals with WRN-related conditions. This variant is not present in population databases (ExAC no frequency). This sequence change creates a premature translational stop signal (p.Ile665Asnfs*5) in the WRN gene. It is expected to result in an absent or disrupted protein product.

Literature cited by the submitters: PubMed 16673358 (cited by Labcorp Genetics (formerly Invitae), Labcorp).

NM_000553.6(WRN):c.1993dup (p.Ile665fs)

Gene: WRN (WRN RecQ like helicase; plus strand). Cytogenetic location: 8p12.
Variant type: Duplication.
Coding change: c.1993dup on transcript NM_000553.6 (MANE Select); coding-DNA position 1993, one base duplicated (A; older notation c.1993dupA).
Protein change: p.Ile665fs; shifts the reading frame from isoleucine 665.
Molecular consequence: frameshift variant.
Genome position (GRCh38, 1-based): chr8:31,100,860, A duplicated. VCF-style (leftmost placement, unchanged base first): chr8-31100859-C-CA. GRCh37 (hg19) VCF-style: chr8-30958375-C-CA.
Other names: short protein forms I665fs.
Identifiers: ClinVar variation 852678 (VCV000852678.7), dbSNP rs1814195192, ClinGen allele CA916081504.